The following is an entry in ClinVar:

NM_017654.4(SAMD9):c.3094C>T (p.His1032Tyr)

Gene: SAMD9 (sterile alpha motif domain containing 9; minus strand). Cytogenetic location: 7q21.2.
Variant type: single nucleotide variant.
Coding change: c.3094C>T on transcript NM_017654.4 (MANE Select); coding-DNA position 3094, C replaced by T.
Protein change: p.His1032Tyr; replaces histidine 1032 with tyrosine.
Molecular consequence: missense variant.
Genome position (GRCh38, 1-based): chr7:93,103,004, G>A on the plus strand (C>T on the coding strand, the complement: SAMD9 is on the minus strand). VCF-style: chr7-93103004-G-A. GRCh37 (hg19) VCF-style: chr7-92732317-G-A.
Other names: c.3094C>T, p.His1032Tyr (NM_001193307.2); short protein forms H1032Y.
Identifiers: ClinVar variation 3437059 (VCV003437059.1).
Genomic context (GRCh38, chr7:93,103,004, plus strand): 5'-AAAACCAATTTCCTGTTTCACCTTCATGTTCATCGCGGTGTCTTGTGAGTAGGAGTGTGT[G>A]CATATCTTGCAAAAATTTACTTTTTCCCATACCAGTATCGAAGAACAAATTCTCAGTTAG-3'
Protein context (NP_060124.2, residues 1022-1042): MGKSKFLQDM[His1032Tyr]TLLLTRHRDE

ClinVar aggregate classification (germline): Uncertain significance (1 of 4 stars; one submission).

Conditions:
Inborn genetic diseases. Identifiers: MedGen C0950123, MeSH D030342.

Submission:

Ambry Genetics
Classification: Uncertain significance for Inborn genetic diseases. Last evaluated: 2024-11-28. Review status: criteria provided, single submitter. Criteria: Ambry Variant Classification Scheme 2023. Collection method: clinical testing. Allele origin: germline.
Comment: The p.H1032Y variant (also known as c.3094C>T), located in coding exon 1 of the SAMD9 gene, results from a C to T substitution at nucleotide position 3094. The histidine at codon 1032 is replaced by tyrosine, an amino acid with similar properties. This amino acid position is conserved. In addition, this alteration is predicted to be tolerated by in silico analysis. Based on the available evidence, the clinical significance of this variant remains unclear.